The following is an entry in ClinVar:

NM_020778.5(ALPK3):c.2761C>T (p.Gln921Ter)

Gene: ALPK3 (alpha kinase 3; plus strand). Cytogenetic location: 15q25.3.
Variant type: single nucleotide variant.
Coding change: c.2761C>T on transcript NM_020778.5 (MANE Select); coding-DNA position 2761, C replaced by T.
Protein change: p.Gln921Ter; replaces glutamine 921 with a stop codon.
Molecular consequence: nonsense.
Genome position (GRCh38, 1-based): chr15:84,857,499, C>T. VCF-style: chr15-84857499-C-T. GRCh37 (hg19) VCF-style: chr15-85400730-C-T.
Other names: short protein forms Q921*.
Identifiers: ClinVar variation 1968271 (VCV001968271.5), dbSNP rs2505720732, ClinGen allele CA393358272.

ClinVar aggregate classification (germline): Pathogenic (1 of 4 stars; one submission).

Submission:

Labcorp Genetics (formerly Invitae), Labcorp
Classification: Pathogenic. Last evaluated: 2022-07-22. Review status: criteria provided, single submitter. Criteria: Invitae Variant Classification Sherloc (09022015). Collection method: clinical testing. Allele origin: germline.
Comment: For these reasons, this variant has been classified as Pathogenic. This variant has not been reported in the literature in individuals affected with ALPK3-related conditions. This variant is not present in population databases (gnomAD no frequency). This sequence change creates a premature translational stop signal (p.Gln1123*) in the ALPK3 gene. It is expected to result in an absent or disrupted protein product. Loss-of-function variants in ALPK3 are known to be pathogenic (PMID: 21441111, 26846950, 27106955, 34263907).

Literature cited by the submitters: PubMed 21441111; PubMed 26846950; PubMed 27106955; PubMed 34263907.